The following is an entry in ClinVar:

ClinVar aggregate classification (germline): Likely benign. Review status: criteria provided, multiple submitters, no conflicts (2 of 4 stars). 3 submissions from 3 submitters: Likely benign (2). 1 of the submissions does not count toward it. Last evaluated 2024-06-10.

Conditions:
Hypertrophic cardiomyopathy 1 (CMH1). Also called: MYH7-Related Familial Hypertrophic Cardiomyopathy; Familial hypertrophic cardiomyopathy 1. Identifiers: MedGen C3495498, MONDO:0008647, OMIM 192600.
MYLK2-related disorder. Also called: MYLK2-related condition.

Allele frequency attached by ClinVar (database versions not stated): ExAC 0.00001; gnomAD 0.00001; gnomAD exomes 0.00001 and 0.00002; TOPMed 0.00002.
gnomAD v4.1: 29 of 1,613,978 alleles (0.0018%); highest among the groups gnomAD compares: Non-Finnish European, 0.0025%; no homozygotes.

Submissions (3):

Labcorp Genetics (formerly Invitae), Labcorp
Classification: Likely benign for Hypertrophic cardiomyopathy 1. Last evaluated: 2024-06-10. Review status: criteria provided, single submitter. Criteria: Invitae Variant Classification Sherloc (09022015). Collection method: clinical testing. Allele origin: germline.

Ambry Genetics
Classification: Likely benign. Last evaluated: 2019-08-02. Review status: criteria provided, single submitter. Criteria: Ambry Variant Classification Scheme 2023. Collection method: clinical testing. Allele origin: germline.

PreventionGenetics, part of Exact Sciences
Classification: Likely benign for MYLK2-related condition. Last evaluated: 2019-05-03. Review status: no assertion criteria provided. Collection method: clinical testing. Allele origin: germline. Not counted in ClinVar's aggregate classification.
Comment: This variant is classified as likely benign based on ACMG/AMP sequence variant interpretation guidelines (Richards et al. 2015 PMID: 25741868, with internal and published modifications).

NM_033118.4(MYLK2):c.633C>T (p.Thr211=)

Gene: MYLK2 (myosin light chain kinase 2; plus strand). Cytogenetic location: 20q11.21.
Variant type: single nucleotide variant.
Coding change: c.633C>T on transcript NM_033118.4 (MANE Select); coding-DNA position 633, C replaced by T.
Protein change: p.Thr211=; no amino-acid change (threonine 211 retained).
Molecular consequence: synonymous variant.
Genome position (GRCh38, 1-based): chr20:31,821,598, C>T. VCF-style: chr20-31821598-C-T. GRCh37 (hg19) VCF-style: chr20-30409401-C-T.
Identifiers: ClinVar variation 1085707 (VCV001085707.13), dbSNP rs768001289, ClinGen allele CA9802966.
Genomic context (GRCh38, chr20:31,821,598, plus strand): 5'-CAAGGCAGAAGAAGGAAAGAACATCCTGGCAGAGAGCCAGAAGGAAGTGGGAGAGAAAAC[C>T]CCAGGCCAGGCTGGCCAGGCTAAGATGCAAGGGGACACCTCGAGGGGGATTGAGTTCCAG-3'
Protein context (NP_149109.1, residues 201-221): AESQKEVGEK[Thr211=]PGQAGQAKMQ